The following is an entry in ClinVar:

NM_001013838.3(CARMIL2):c.4271C>T (p.Pro1424Leu)

Gene: CARMIL2 (capping protein regulator and myosin 1 linker 2; plus strand). Cytogenetic location: 16q22.1.
Variant type: single nucleotide variant.
Coding change: c.4271C>T on transcript NM_001013838.3 (MANE Select); coding-DNA position 4271, C replaced by T.
Protein change: p.Pro1424Leu; replaces proline 1424 with leucine.
Molecular consequence: missense variant.
Genome position (GRCh38, 1-based): chr16:67,657,481, C>T. VCF-style: chr16-67657481-C-T. GRCh37 (hg19) VCF-style: chr16-67691384-C-T.
Other names: c.4082C>T, p.Pro1361Leu (NM_001317026.3); short protein forms P1361L, P1424L.
Identifiers: ClinVar variation 3728327 (VCV003728327.2).

ClinVar aggregate classification (germline): Uncertain significance (1 of 4 stars; one submission).

gnomAD v4.1: 1 of 1,612,592 alleles (0.000062%); highest among the groups gnomAD compares: Non-Finnish European, 0.000085%; no homozygotes.

Submission:

Labcorp Genetics (formerly Invitae), Labcorp
Classification: Uncertain significance. Last evaluated: 2025-01-06. Review status: criteria provided, single submitter. Criteria: Invitae Variant Classification Sherloc (09022015). Collection method: clinical testing. Allele origin: germline.
Comment: This sequence change replaces proline, which is neutral and non-polar, with leucine, which is neutral and non-polar, at codon 1424 of the CARMIL2 protein (p.Pro1424Leu). This variant is not present in population databases (gnomAD no frequency). This variant has not been reported in the literature in individuals affected with CARMIL2-related conditions. An algorithm developed to predict the effect of missense changes on protein structure and function (PolyPhen-2) suggests that this variant is likely to be disruptive. In summary, the available evidence is currently insufficient to determine the role of this variant in disease. Therefore, it has been classified as a Variant of Uncertain Significance.